The following is an entry in ClinVar:

NM_003743.5(NCOA1):c.3947G>A (p.Ser1316Asn)

Gene: NCOA1 (nuclear receptor coactivator 1; plus strand). Cytogenetic location: 2p23.3.
Variant type: single nucleotide variant.
Coding change: c.3947G>A on transcript NM_003743.5 (MANE Select); coding-DNA position 3947, G replaced by A.
Protein change: p.Ser1316Asn; replaces serine 1316 with asparagine.
Molecular consequence: missense variant.
Genome position (GRCh38, 1-based): chr2:24,758,038, G>A. VCF-style: chr2-24758038-G-A. GRCh37 (hg19) VCF-style: chr2-24980907-G-A.
Other names: c.3947G>A, p.Ser1316Asn (NM_001362950.1, NM_001362952.1, NM_001362954.1 and 3 more transcripts); short protein forms S1316N.
Identifiers: ClinVar variation 3357904 (VCV003357904.1).

ClinVar aggregate classification (germline): Uncertain significance (0 of 4 stars; one submission).

Conditions:
NCOA1-related disorder. Also called: NCOA1-related condition.

gnomAD v4.1: 4 of 1,614,010 alleles (0.00025%); highest among the groups gnomAD compares: Middle Eastern, 0.016%; no homozygotes.

Submission:

PreventionGenetics, part of Exact Sciences
Classification: Uncertain significance for NCOA1-related condition. Last evaluated: 2024-07-23. Review status: no assertion criteria provided. Collection method: clinical testing. Allele origin: germline.
Comment: The NCOA1 c.3947G>A variant is predicted to result in the amino acid substitution p.Ser1316Asn. To our knowledge, this variant has not been reported in the literature or in a large population database, indicating this variant is rare. At this time, the clinical significance of this variant is uncertain due to the absence of conclusive functional and genetic evidence.